The following is an entry in ClinVar:

ClinVar aggregate classification (germline): Uncertain significance. Review status: criteria provided, multiple submitters, no conflicts (2 of 4 stars). 4 submissions from 4 submitters: Uncertain significance (4). Last evaluated 2026-01-11.

Conditions:
Age related macular degeneration 1 (ARMD1). Also called: MACULOPATHY, AGE-RELATED, 1. Identifiers: MedGen C1864205, MONDO:0011285, OMIM 603075.

Allele frequency attached by ClinVar (database versions not stated): gnomAD 0.00001; gnomAD exomes 0.00001 and 0.00002; ExAC 0.00002; TOPMed 0.00002.

Submissions (4):

Labcorp Genetics (formerly Invitae), Labcorp
Classification: Uncertain significance. Last evaluated: 2026-01-11. Review status: criteria provided, single submitter. Criteria: Invitae Variant Classification Sherloc (09022015). Collection method: clinical testing. Allele origin: germline.
Comment: This sequence change replaces glycine, which is neutral and non-polar, with glutamic acid, which is acidic and polar, at codon 1146 of the HMCN1 protein (p.Gly1146Glu). This variant is present in population databases (rs780422973, gnomAD 0.004%). This variant has not been reported in the literature in individuals affected with HMCN1-related conditions. ClinVar contains an entry for this variant (Variation ID: 875501). An algorithm developed to predict the effect of missense changes on protein structure and function (PolyPhen-2) suggests that this variant is likely to be disruptive. In summary, the available evidence is currently insufficient to determine the role of this variant in disease. Therefore, it has been classified as a Variant of Uncertain Significance.

Ambry Genetics
Classification: Uncertain significance. Last evaluated: 2025-10-29. Review status: criteria provided, single submitter. Criteria: Ambry Variant Classification Scheme 2023. Collection method: clinical testing. Allele origin: germline.

Genome-Nilou Lab
Classification: Uncertain significance for Age related macular degeneration 1. Last evaluated: 2023-04-11. Review status: criteria provided, single submitter. Criteria: ACMG Guidelines, 2015. Collection method: clinical testing. Allele origin: germline. Affected: no.

Illumina Laboratory Services, Illumina
Classification: Uncertain significance for Age related macular degeneration 1. Last evaluated: 2018-01-13. Review status: criteria provided, single submitter. Criteria: ICSL Variant Classification Criteria 13 December 2019. Collection method: clinical testing. Allele origin: germline.

NM_031935.3(HMCN1):c.3437G>A (p.Gly1146Glu)

Gene: HMCN1 (hemicentin 1; plus strand). Cytogenetic location: 1q31.1.
Variant type: single nucleotide variant.
Coding change: c.3437G>A on transcript NM_031935.3 (MANE Select); coding-DNA position 3437, G replaced by A.
Protein change: p.Gly1146Glu; replaces glycine 1146 with glutamic acid.
Molecular consequence: missense variant.
Genome position (GRCh38, 1-based): chr1:185,993,241, G>A. VCF-style: chr1-185993241-G-A. GRCh37 (hg19) VCF-style: chr1-185962373-G-A.
Other names: short protein forms G1146E.
Identifiers: ClinVar variation 875501 (VCV000875501.10), dbSNP rs780422973, ClinGen allele CA1291722.